The following is an entry in ClinVar:

NM_006445.4(PRPF8):c.3975C>A (p.Leu1325=)

Gene: PRPF8 (pre-mRNA processing factor 8; minus strand). Cytogenetic location: 17p13.3.
Variant type: single nucleotide variant.
Coding change: c.3975C>A on transcript NM_006445.4 (MANE Select); coding-DNA position 3975, C replaced by A.
Protein change: p.Leu1325=; no amino-acid change (leucine 1325 retained).
Molecular consequence: synonymous variant.
Genome position (GRCh38, 1-based): chr17:1,661,953, G>T on the plus strand (C>A on the coding strand, the complement: PRPF8 is on the minus strand). VCF-style: chr17-1661953-G-T. GRCh37 (hg19) VCF-style: chr17-1565247-G-T.
Identifiers: ClinVar variation 1972150 (VCV001972150.5), dbSNP rs375341985, ClinGen allele CA497393420.

ClinVar aggregate classification (germline): Uncertain significance (1 of 4 stars; one submission).

gnomAD v4.1: 3 of 1,614,144 alleles (0.00019%); highest among the groups gnomAD compares: South Asian, 0.0011%; no homozygotes.

Submission:

Labcorp Genetics (formerly Invitae), Labcorp
Classification: Uncertain significance. Last evaluated: 2022-03-15. Review status: criteria provided, single submitter. Criteria: Invitae Variant Classification Sherloc (09022015). Collection method: clinical testing. Allele origin: germline.
Comment: This variant has not been reported in the literature in individuals affected with PRPF8-related conditions. This variant is not present in population databases (gnomAD no frequency). This sequence change affects codon 1325 of the PRPF8 mRNA. It is a 'silent' change, meaning that it does not change the encoded amino acid sequence of the PRPF8 protein. Algorithms developed to predict the effect of sequence changes on RNA splicing suggest that this variant may create or strengthen a splice site. In summary, the available evidence is currently insufficient to determine the role of this variant in disease. Therefore, it has been classified as a Variant of Uncertain Significance.